The following is an entry in ClinVar:

NM_000744.7(CHRNA4):c.1719C>A (p.Tyr573Ter)

Gene: CHRNA4 (cholinergic receptor nicotinic alpha 4 subunit; minus strand). Cytogenetic location: 20q13.33.
Variant type: single nucleotide variant.
Coding change: c.1719C>A on transcript NM_000744.7 (MANE Select); coding-DNA position 1719, C replaced by A.
Protein change: p.Tyr573Ter; replaces tyrosine 573 with a stop codon.
Molecular consequence: nonsense. On other transcripts: non-coding transcript variant (1).
Genome position (GRCh38, 1-based): chr20:63,349,692, G>T on the plus strand (C>A on the coding strand, the complement: CHRNA4 is on the minus strand). VCF-style: chr20-63349692-G-T. GRCh37 (hg19) VCF-style: chr20-61981044-G-T.
Other names: c.1191C>A, p.Tyr397Ter (NM_001256573.2); short protein forms Y573*, Y397*.
Identifiers: ClinVar variation 1362802 (VCV001362802.6), dbSNP rs2123469625, ClinGen allele CA409632237.

ClinVar aggregate classification (germline): Uncertain significance (1 of 4 stars; one submission).

Conditions:
Familial sleep-related hypermotor epilepsy. Also called: Autosomal Dominant Sleep-Related Hypermotor (Hyperkinetic) Epilepsy. Identifiers: Orphanet 98784, MedGen C3696898, MONDO:0000030.

Submission:

Labcorp Genetics (formerly Invitae), Labcorp
Classification: Uncertain significance. Last evaluated: 2026-01-05. Review status: criteria provided, single submitter. Criteria: Invitae Variant Classification Sherloc (09022015). Collection method: clinical testing. Allele origin: germline.
Comment: This sequence change creates a premature translational stop signal (p.Tyr573*) in the CHRNA4 gene. While this is not anticipated to result in nonsense mediated decay, it is expected to disrupt the last 55 amino acid(s) of the CHRNA4 protein. This variant is not present in population databases (gnomAD no frequency). This variant has not been reported in the literature in individuals affected with CHRNA4-related conditions. ClinVar contains an entry for this variant (Variation ID: 1362802). In summary, the available evidence is currently insufficient to determine the role of this variant in disease. Therefore, it has been classified as a Variant of Uncertain Significance.